The following is an entry in ClinVar:

NM_000095.3(COMP):c.1123_1134del (p.Ile375_Asp378del)

Gene: COMP (cartilage oligomeric matrix protein; minus strand). Cytogenetic location: 19p13.11.
Variant type: Deletion.
Coding change: c.1123_1134del on transcript NM_000095.3 (MANE Select); coding-DNA positions 1123 to 1134, 12 bases deleted (ATCGACGGCGAC).
Protein change: p.Ile375_Asp378del.
Molecular consequence: inframe deletion.
Genome position (GRCh38, 1-based): chr19:18,787,492-18,787,503, GTCGCCGTCGAT deleted on the plus strand (ATCGACGGCGAC on the coding strand, the reverse complement: COMP is on the minus strand); deleting any 12 consecutive bases within chr19:18,787,492-18,787,507 gives the same sequence; the c. name uses the placement nearest the transcript's 3' end. VCF-style (leftmost placement, unchanged base first): chr19-18787491-GGTCGCCGTCGAT-G. GRCh37 (hg19) VCF-style: chr19-18898300-GGTCGCCGTCGAT-G.
Identifiers: ClinVar variation 2836442 (VCV002836442.3), dbSNP rs2512850004, ClinGen allele CA2695228439.

ClinVar aggregate classification (germline): Uncertain significance (1 of 4 stars; one submission).

Submission:

Labcorp Genetics (formerly Invitae), Labcorp
Classification: Uncertain significance. Last evaluated: 2023-12-09. Review status: criteria provided, single submitter. Criteria: Invitae Variant Classification Sherloc (09022015). Collection method: clinical testing. Allele origin: germline.
Comment: This variant, c.1123_1134del, results in the deletion of 4 amino acid(s) of the COMP protein (p.Ile375_Asp378del), but otherwise preserves the integrity of the reading frame. This variant is not present in population databases (gnomAD no frequency). This variant has been observed in individual(s) with multiple epiphyseal dysplasia (PMID: 34709441). In summary, the available evidence is currently insufficient to determine the role of this variant in disease. Therefore, it has been classified as a Variant of Uncertain Significance.

Literature cited by the submitters: PubMed 34709441.